The following is an entry in ClinVar:

ClinVar aggregate classification (germline): Pathogenic (1 of 4 stars; one submission).

Conditions:
Ehlers-Danlos syndrome, type 4 (EDSVASC). Also called: Ehlers-Danlos syndrome vascular type; Ehlers Danlos syndrome, ecchymotic type; Ehlers Danlos syndrome, arterial type; Ehlers Danlos syndrome, Sack-Barabas type; Ehlers-Danlos Syndrome Type IV. Identifiers: Orphanet 286, MedGen C0268338, MONDO:0017314, OMIM 130050.

Submission:

Labcorp Genetics (formerly Invitae), Labcorp
Classification: Pathogenic for Ehlers-Danlos syndrome, type 4. Last evaluated: 2022-09-01. Review status: criteria provided, single submitter. Criteria: Invitae Variant Classification Sherloc (09022015). Collection method: clinical testing. Allele origin: germline.
Comment: This sequence change replaces glycine, which is neutral and non-polar, with cysteine, which is neutral and slightly polar, at codon 1092 of the COL3A1 protein (p.Gly1092Cys). This variant is not present in population databases (gnomAD no frequency). For these reasons, this variant has been classified as Pathogenic. This variant disrupts the triple helix domain of COL3A1. Glycine residues within the Gly-Xaa-Yaa repeats of the triple helix domain are required for the structure and stability of fibrillar collagens (PMID: 7695699, 8218237, 19344236). In COL3A1, variants that affect these glycine residues are significantly enriched in individuals with disease (PMID: 24922459, 25758994) compared to the general population (ExAC). Advanced modeling of protein sequence and biophysical properties (such as structural, functional, and spatial information, amino acid conservation, physicochemical variation, residue mobility, and thermodynamic stability) performed at Invitae indicates that this missense variant is expected to disrupt COL3A1 protein function. ClinVar contains an entry for this variant (Variation ID: 1497664). This missense change has been observed in individual(s) with clinical features of vascular Ehlers-Danlos syndrome (Invitae). It has also been observed to segregate with disease in related individuals.

Literature cited by the submitters: PubMed 7695699; PubMed 8218237; PubMed 19344236; PubMed 24922459; PubMed 25758994.

NM_000090.4(COL3A1):c.3274G>T (p.Gly1092Cys)

Gene: COL3A1 (collagen type III alpha 1 chain; plus strand). Cytogenetic location: 2q32.2.
Variant type: single nucleotide variant.
Coding change: c.3274G>T on transcript NM_000090.4 (MANE Select); coding-DNA position 3274, G replaced by T.
Protein change: p.Gly1092Cys; replaces glycine 1092 with cysteine.
Molecular consequence: missense variant.
Genome position (GRCh38, 1-based): chr2:189,007,518, G>T. VCF-style: chr2-189007518-G-T. GRCh37 (hg19) VCF-style: chr2-189872244-G-T.
Other names: short protein forms G1092C.
Identifiers: ClinVar variation 1497664 (VCV001497664.8), dbSNP rs2153503888, ClinGen allele CA349845600.
Genomic context (GRCh38, chr2:189,007,518, plus strand): 5'-GTATGTGTGTATATGACTTCAATTCAAAATATGTTTCTAAAGGGTCCTCAAGGCCCACGT[G>T]GTGACAAAGGTGAAACAGGTGAACGTGGAGCTGCTGGCATCAAAGGACATCGAGGATTCC-3'
Protein context (NP_000081.2, residues 1082-1102): RGAPGPQGPR[Gly1092Cys]DKGETGERGA